The following is an entry in ClinVar:

ClinVar aggregate classification (germline): Uncertain significance (1 of 4 stars; one submission).

Conditions:
Cardiovascular phenotype. Identifiers: MedGen CN230736.

Allele frequency attached by ClinVar (database versions not stated): TOPMed below 0.00001; gnomAD 0.00001; gnomAD exomes 0.00001.

Submission:

Ambry Genetics
Classification: Uncertain significance for Cardiovascular phenotype. Last evaluated: 2023-05-30. Review status: criteria provided, single submitter. Criteria: Ambry Variant Classification Scheme 2023. Collection method: clinical testing. Allele origin: germline.
Comment: The p.A989V variant (also known as c.2966C>T), located in coding exon 6 of the TNXB gene, results from a C to T substitution at nucleotide position 2966. The alanine at codon 989 is replaced by valine, an amino acid with similar properties. This amino acid position is conserved. In addition, this alteration is predicted to be tolerated by in silico analysis. Since supporting evidence is limited at this time, the clinical significance of this alteration remains unclear.

NM_001365276.2(TNXB):c.2966C>T (p.Ala989Val)

Gene: TNXB (tenascin XB; minus strand). Cytogenetic location: 6p21.33.
Variant type: single nucleotide variant.
Coding change: c.2966C>T on transcript NM_001365276.2 (MANE Select); coding-DNA position 2966, C replaced by T.
Protein change: p.Ala989Val; replaces alanine 989 with valine.
Molecular consequence: missense variant.
Genome position (GRCh38, 1-based): chr6:32,085,932, G>A on the plus strand (C>T on the coding strand, the complement: TNXB is on the minus strand). VCF-style: chr6-32085932-G-A. GRCh37 (hg19) VCF-style: chr6-32053709-G-A.
Other names: c.2966C>T, p.Ala989Val (NM_019105.8); short protein forms A989V.
Identifiers: ClinVar variation 2565758 (VCV002565758.2), dbSNP rs1779742950, ClinGen allele CA363448869.
Genomic context (GRCh38, chr6:32,085,932, plus strand): 5'-GGCAGCACTTCCTCATGTGCCCCCGGCCCCTCGGGCACCCGCATGCGCAGTTGGAAGTAG[G>A]CAAAGGTGTCAGGCTGGGCGGTCCAGACCACACGGAGGCGCCCTGTCTCATCTCTGCCCA-3'
Protein context (NP_001352205.1, residues 979-999): VVWTAQPDTF[Ala989Val]YFQLRMRVPE